The following is an entry in ClinVar:

ClinVar aggregate classification (germline): Conflicting classifications of pathogenicity. Review status: criteria provided, conflicting classifications (1 of 4 stars). 2 submissions from 2 submitters: Uncertain significance (1); Likely benign (1). Last evaluated 2025-07-15.

Conditions:
Inborn genetic diseases. Identifiers: MedGen C0950123, MeSH D030342.

Allele frequency attached by ClinVar (database versions not stated): TOPMed below 0.00001; gnomAD 0.00001.
gnomAD v4.1: 10 of 1,614,042 alleles (0.00062%); highest among the groups gnomAD compares: Non-Finnish European, 0.00085%; no homozygotes.

Submissions (2):

Labcorp Genetics (formerly Invitae), Labcorp
Classification: Uncertain significance. Last evaluated: 2025-07-15. Review status: criteria provided, single submitter. Criteria: Invitae Variant Classification Sherloc (09022015). Collection method: clinical testing. Allele origin: germline.
Comment: This sequence change replaces serine, which is neutral and polar, with asparagine, which is neutral and polar, at codon 967 of the PCNT protein (p.Ser967Asn). This variant is not present in population databases (gnomAD no frequency). This variant has not been reported in the literature in individuals affected with PCNT-related conditions. ClinVar contains an entry for this variant (Variation ID: 2333702). An algorithm developed to predict the effect of missense changes on protein structure and function outputs the following: PolyPhen-2: "Possibly Damaging". The asparagine amino acid residue is found in multiple mammalian species, which suggests that this missense change does not adversely affect protein function. In summary, the available evidence is currently insufficient to determine the role of this variant in disease. Therefore, it has been classified as a Variant of Uncertain Significance.

Ambry Genetics
Classification: Likely benign for Inborn genetic diseases. Last evaluated: 2022-12-06. Review status: criteria provided, single submitter. Criteria: Ambry Variant Classification Scheme 2023. Collection method: clinical testing. Allele origin: germline.

NM_006031.6(PCNT):c.2900G>A (p.Ser967Asn)

Gene: PCNT (pericentrin; plus strand). Cytogenetic location: 21q22.3.
Variant type: single nucleotide variant.
Coding change: c.2900G>A on transcript NM_006031.6 (MANE Select); coding-DNA position 2900, G replaced by A.
Protein change: p.Ser967Asn; replaces serine 967 with asparagine.
Molecular consequence: missense variant.
Genome position (GRCh38, 1-based): chr21:46,366,874, G>A. VCF-style: chr21-46366874-G-A. GRCh37 (hg19) VCF-style: chr21-47786789-G-A.
Other names: c.2546G>A, p.Ser849Asn (NM_001315529.2); short protein forms S849N, S967N.
Identifiers: ClinVar variation 2333702 (VCV002333702.3), dbSNP rs757651507, ClinGen allele CA322005766.